The following is an entry in ClinVar:

NM_000807.4(GABRA2):c.576A>G (p.Ser192=)

Gene: GABRA2 (gamma-aminobutyric acid type A receptor subunit alpha2; minus strand). Cytogenetic location: 4p12.
Variant type: single nucleotide variant.
Coding change: c.576A>G on transcript NM_000807.4 (MANE Select); coding-DNA position 576, A replaced by G.
Protein change: p.Ser192=; no amino-acid change (serine 192 retained).
Molecular consequence: synonymous variant.
Genome position (GRCh38, 1-based): chr4:46,305,695, T>C on the plus strand (A>G on the coding strand, the complement: GABRA2 is on the minus strand). VCF-style: chr4-46305695-T-C. GRCh37 (hg19) VCF-style: chr4-46307712-T-C.
Other names: c.576A>G, p.Ser192= (NM_001114175.3, NM_001330690.2, NM_001377144.1 and 8 more transcripts); c.411A>G, p.Ser137= (NM_001286827.3, NM_001377152.1, NM_001377153.1 and 1 more transcripts); c.576A>G (NM_000807.3).
Identifiers: ClinVar variation 2186329 (VCV002186329.6), dbSNP rs200053930, ClinGen allele CA2906678.
Genomic context (GRCh38, chr4:46,305,695, plus strand): 5'-GCCATCAGGAGCAACCTGTACTGAATCAGATGCATTGTAAGTCCAAATATAAGTGACCTC[T>C]GAAGTTGTATATGCATCTATAGGAAATCAGAAAAAATATTTTAAGCATTTTAGTAAGAAC-3'
Protein context (NP_000798.2, residues 182-202): LKFGSYAYTT[Ser192=]EVTYIWTYNA

ClinVar aggregate classification (germline): Likely benign. Review status: criteria provided, single submitter (1 of 4 stars). 2 submissions from 2 submitters: Likely benign (1). 1 of the submissions does not count toward it. Last evaluated 2024-11-25.

Conditions:
GABRA2-related disorder. Also called: GABRA2-related condition.

Allele frequency attached by ClinVar (database versions not stated): ExAC 0.00001; TOPMed 0.00003; gnomAD 0.00005; gnomAD exomes 0.00006.
gnomAD v4.1: 93 of 1,611,460 alleles (0.0058%); highest among the groups gnomAD compares: Non-Finnish European, 0.0079%; no homozygotes.

Submissions (2):

Labcorp Genetics (formerly Invitae), Labcorp
Classification: Likely benign. Last evaluated: 2024-11-25. Review status: criteria provided, single submitter. Criteria: Invitae Variant Classification Sherloc (09022015). Collection method: clinical testing. Allele origin: germline.

PreventionGenetics, part of Exact Sciences
Classification: Likely benign for GABRA2-related condition. Last evaluated: 2023-09-20. Review status: no assertion criteria provided. Collection method: clinical testing. Allele origin: germline. Not counted in ClinVar's aggregate classification.
Comment: This variant is classified as likely benign based on ACMG/AMP sequence variant interpretation guidelines (Richards et al. 2015 PMID: 25741868, with internal and published modifications).